The following is an entry in ClinVar:

ClinVar aggregate classification (germline): Uncertain significance. Review status: criteria provided, single submitter (1 of 4 stars). 2 submissions from 2 submitters: Uncertain significance (1). 1 of the submissions does not count toward it.

Conditions:
Bernard Soulier syndrome (BSS). Also called: BLEEDING DISORDER, PLATELET-TYPE, 1; VON WILLEBRAND FACTOR RECEPTOR DEFICIENCY; GLYCOPROTEIN Ib, PLATELET, DEFICIENCY OF; PLATELET GLYCOPROTEIN Ib DEFICIENCY; Platelet Glycoprotein 1b, Deficiency of; Giant platelet syndrome. Identifiers: Orphanet 274, MedGen C0005129, MeSH D001606, MONDO:0009276, OMIM 231200.

Submissions (2):

ISTH-SSC Genomics in Thrombosis and Hemostasis, KU Leuven, Center for Molecular and Vascular Biology
Classification: Uncertain significance for Bernard Soulier syndrome. Review status: criteria provided, single submitter. Criteria: ACMG Guidelines, 2015. Collection method: clinical testing. Allele origin: germline. Affected: yes. Observed: 1 heterozygote.
Comment: Submitted to the GoldVariant database by Dr Marie-Christine Morel-Kopp; Northern Blood Research Centre, Sydney, Australia

Unidade de Genética Molecular, Centro Hospitalar Universitário do Porto
Classification: Likely pathogenic for Bernard Soulier syndrome. Last evaluated: 2022-05-02. Review status: no assertion criteria provided. Collection method: research. Allele origin: unknown. Inheritance: Autosomal dominant inheritance. Affected: yes. Not counted in ClinVar's aggregate classification.

NM_000407.5(GP1BB):c.400G>A (p.Glu134Lys)

Genes: GP1BB (glycoprotein Ib platelet subunit beta; plus strand), SEPT5-GP1BB (SEPT5-GP1BB readthrough; plus strand). Cytogenetic location: 22q11.21.
Variant type: single nucleotide variant.
Coding change: c.400G>A on transcript NM_000407.5 (MANE Select); coding-DNA position 400, G replaced by A.
Protein change: p.Glu134Lys; replaces glutamic acid 134 with lysine.
Molecular consequence: missense variant. On other transcripts: non-coding transcript variant (2).
Genome position (GRCh38, 1-based): chr22:19,724,243, G>A. VCF-style: chr22-19724243-G-A. GRCh37 (hg19) VCF-style: chr22-19711766-G-A.
Other names: c.400G>A (NM_000407.4); short protein forms E134K.
Identifiers: ClinVar variation 1679421 (VCV001679421.4), dbSNP rs2145796377, ClinGen allele CA410677400.
Genomic context (GRCh38, chr22:19,724,243, plus strand): 5'-CGCGACCTGCGTTGCGTGGCGCCCCCAGCGCTGCGCGGCCGCCTGCTGCCCTATCTGGCC[G>A]AGGACGAGCTGCGCGCCGCTTGCGCTCCCGGCCCGCTCTGCTGGGGGGCGCTGGCGGCGC-3'
Protein context (NP_000398.1, residues 124-144): LRGRLLPYLA[Glu134Lys]DELRAACAPG